The following is an entry in ClinVar:

ClinVar aggregate classification (germline): Uncertain significance (1 of 4 stars; one submission).

gnomAD v4.1: 1 of 1,211,615 alleles (0.000083%); highest among the groups gnomAD compares: East Asian, 0.003%; no homozygotes.

Submission:

GeneDx
Classification: Uncertain significance. Last evaluated: 2024-12-22. Review status: criteria provided, single submitter. Criteria: GeneDx Variant Classification Process June 2021. Collection method: clinical testing. Allele origin: germline. Affected: yes.
Comment: Not observed at significant frequency in large population cohorts (gnomAD); In silico analysis supports that this missense variant has a deleterious effect on protein structure/function; Has not been previously published as pathogenic or benign to our knowledge

NM_001830.4(CLCN4):c.1520G>A (p.Gly507Asp)

Gene: CLCN4 (chloride voltage-gated channel 4; plus strand). Cytogenetic location: Xp22.2.
Variant type: single nucleotide variant.
Coding change: c.1520G>A on transcript NM_001830.4 (MANE Select); coding-DNA position 1520, G replaced by A.
Protein change: p.Gly507Asp; replaces glycine 507 with aspartic acid.
Molecular consequence: missense variant.
Genome position (GRCh38, 1-based): chrX:10,212,597, G>A. VCF-style: chrX-10212597-G-A. GRCh37 (hg19) VCF-style: chrX-10180637-G-A.
Other names: c.1238G>A, p.Gly413Asp (NM_001256944.2); short protein forms G413D, G507D.
Identifiers: ClinVar variation 3906751 (VCV003906751.1).